The following is an entry in ClinVar:

NM_014991.6(WDFY3):c.4826_4829del (p.Asn1609fs)

Gene: WDFY3 (WD repeat and FYVE domain containing 3; minus strand). Cytogenetic location: 4q21.23.
Variant type: Microsatellite.
Coding change: c.4826_4829del on transcript NM_014991.6 (MANE Select); coding-DNA positions 4826 to 4829, 4 bases deleted (ATAA; older notation c.4826_4829delATAA).
Protein change: p.Asn1609fs; shifts the reading frame from asparagine 1609.
Molecular consequence: frameshift variant.
Genome position (GRCh38, 1-based): chr4:84,772,855-84,772,858, TTAT deleted on the plus strand (ATAA on the coding strand, the reverse complement: WDFY3 is on the minus strand); deleting any 4 consecutive bases within chr4:84,772,855-84,772,864 gives the same sequence; the c. name uses the placement nearest the transcript's 3' end. VCF-style (leftmost placement, unchanged base first): chr4-84772854-ATTAT-A. GRCh37 (hg19) VCF-style: chr4-85694007-ATTAT-A.
Other names: short protein forms N1609fs.
Identifiers: ClinVar variation 3649969 (VCV003649969.2).

ClinVar aggregate classification (germline): Pathogenic (1 of 4 stars; one submission).

Submission:

Labcorp Genetics (formerly Invitae), Labcorp
Classification: Pathogenic. Last evaluated: 2024-04-15. Review status: criteria provided, single submitter. Criteria: Invitae Variant Classification Sherloc (09022015). Collection method: clinical testing. Allele origin: germline.
Comment: This sequence change creates a premature translational stop signal (p.Asn1609Metfs*24) in the WDFY3 gene. It is expected to result in an absent or disrupted protein product. Loss-of-function variants in WDFY3 are known to be pathogenic (PMID: 31327001). This variant is not present in population databases (gnomAD no frequency). This variant has not been reported in the literature in individuals affected with WDFY3-related conditions. For these reasons, this variant has been classified as Pathogenic.

Literature cited by the submitters: PubMed 31327001.